The following is an entry in ClinVar:

ClinVar aggregate classification (germline): Uncertain significance (1 of 4 stars; one submission).

Conditions:
Cardiovascular phenotype. Identifiers: MedGen CN230736.

gnomAD v4.1: 2 of 1,609,698 alleles (0.00012%); highest among the groups gnomAD compares: Non-Finnish European, 0.00017%; no homozygotes.

Submission:

Ambry Genetics
Classification: Uncertain significance for Cardiovascular phenotype. Last evaluated: 2024-11-03. Review status: criteria provided, single submitter. Criteria: Ambry Variant Classification Scheme 2023. Collection method: clinical testing. Allele origin: germline.
Comment: The p.A436V variant (also known as c.1307C>T), located in coding exon 7 of the EPHB4 gene, results from a C to T substitution at nucleotide position 1307. The alanine at codon 436 is replaced by valine, an amino acid with similar properties. This amino acid position is conserved. In addition, this alteration is predicted to be tolerated by in silico analysis. Based on the available evidence, the clinical significance of this variant remains unclear.

NM_004444.5(EPHB4):c.1307C>T (p.Ala436Val)

Gene: EPHB4 (EPH receptor B4; minus strand). Cytogenetic location: 7q22.1.
Variant type: single nucleotide variant.
Coding change: c.1307C>T on transcript NM_004444.5 (MANE Select); coding-DNA position 1307, C replaced by T.
Protein change: p.Ala436Val; replaces alanine 436 with valine.
Molecular consequence: missense variant.
Genome position (GRCh38, 1-based): chr7:100,818,635, G>A on the plus strand (C>T on the coding strand, the complement: EPHB4 is on the minus strand). VCF-style: chr7-100818635-G-A. GRCh37 (hg19) VCF-style: chr7-100416257-G-A.
Other names: short protein forms A436V.
Identifiers: ClinVar variation 3509413 (VCV003509413.1).